The following is an entry in ClinVar:

ClinVar aggregate classification (germline): Uncertain significance (1 of 4 stars; one submission).

Conditions:
Hereditary cancer-predisposing syndrome. Also called: Neoplastic Syndromes, Hereditary; Tumor predisposition; Hereditary Cancer Syndrome; Hereditary neoplastic syndrome. Identifiers: Orphanet 140162, MedGen C0027672, MeSH D009386, MONDO:0015356.

Submission:

Ambry Genetics
Classification: Uncertain significance for Hereditary cancer-predisposing syndrome. Last evaluated: 2025-12-16. Review status: criteria provided, single submitter. Criteria: Ambry Variant Classification Scheme 2023. Collection method: clinical testing. Allele origin: germline.
Comment: The c.1793_1794delAGinsTA variant, located in coding exon 11 of the PMS2 gene, results from an in-frame deletion of AG and insertion of TA at nucleotide positions 1793 to 1794. This results in the substitution of the glutamine residue for a leucine residue at codon 598, an amino acid with dissimilar properties. This amino acid position is not well conserved in available vertebrate species. In addition, this variant is predicted to be neutral by in silico analysis (Choi Y et al. PLoS ONE. 2012; 7(10):e46688). Based on the available evidence, the clinical significance of this variant remains unclear.

NM_000535.7(PMS2):c.1793_1794delinsTA (p.Gln598Leu)

Gene: PMS2 (PMS1 homolog 2, mismatch repair system component; minus strand). Cytogenetic location: 7p22.1.
Variant type: Indel.
Coding change: c.1793_1794delinsTA on transcript NM_000535.7 (MANE Select); coding-DNA positions 1793 to 1794, AG replaced by TA.
Protein change: p.Gln598Leu; replaces glutamine 598 with leucine.
Molecular consequence: missense variant. On other transcripts: non-coding transcript variant (1), intron variant (1).
Genome position (GRCh38, 1-based): chr7:5,986,971-5,986,972, CT replaced by TA on the plus strand (AG replaced by TA on the coding strand, the reverse complement: PMS2 is on the minus strand). VCF-style: chr7-5986971-CT-TA. GRCh37 (hg19) VCF-style: chr7-6026602-CT-TA.
Other names: c.1475_1476delinsTA, p.Gln492Leu (NM_001322007.2, NM_001322008.2, NM_001406876.1 and 2 more transcripts); c.1388_1389delinsTA, p.Gln463Leu (NM_001322009.2, NM_001406894.1, NM_001406895.1 and 16 more transcripts); c.1232_1233delinsTA, p.Gln411Leu (NM_001322010.2, NM_001406906.1, NM_001406907.1); c.860_861delinsTA, p.Gln287Leu (NM_001322011.2, NM_001322012.2); c.1220_1221delinsTA, p.Gln407Leu (NM_001322013.2, NM_001406909.1); c.1793_1794delinsTA, p.Gln598Leu (NM_001322014.2, NM_001406871.1, NM_001406872.1); c.1484_1485delinsTA, p.Gln495Leu (NM_001406877.1, NM_001406878.1, NM_001406879.1 and 5 more transcripts); c.1328_1329delinsTA, p.Gln443Leu (NM_001406900.1); and 13 more; short protein forms Q341L, Q440L, Q463L, Q546L, Q411L, Q486L, Q492L, Q542L.
Identifiers: ClinVar variation 4842987 (VCV004842987.1).